The following is an entry in ClinVar:

NM_002894.3(RBBP8):c.2481A>C (p.Glu827Asp)

Gene: RBBP8 (RB binding protein 8, endonuclease; plus strand). Cytogenetic location: 18q11.2.
Variant type: single nucleotide variant.
Coding change: c.2481A>C on transcript NM_002894.3 (MANE Select); coding-DNA position 2481, A replaced by C.
Protein change: p.Glu827Asp; replaces glutamic acid 827 with aspartic acid.
Molecular consequence: missense variant.
Genome position (GRCh38, 1-based): chr18:23,022,155, A>C. VCF-style: chr18-23022155-A-C. GRCh37 (hg19) VCF-style: chr18-20602118-A-C.
Other names: c.2481A>C, p.Glu827Asp (NM_203291.2); c.2384A>C, p.Lys795Thr (NM_203292.2); short protein forms E827D, K795T.
Identifiers: ClinVar variation 2648618 (VCV002648618.24), dbSNP rs1053358032, ClinGen allele CA297323095.

ClinVar aggregate classification (germline): Uncertain significance (1 of 4 stars; one submission).

Allele frequency attached by ClinVar (database versions not stated): TOPMed 0.00001; gnomAD exomes below 0.00001; gnomAD 0.00001.
gnomAD v4.1: 6 of 1,606,376 alleles (0.00037%); highest among the groups gnomAD compares: Non-Finnish European, 0.00051%; no homozygotes.

Submission:

CeGaT Center for Human Genetics Tuebingen
Classification: Uncertain significance. Last evaluated: 2022-08-01. Review status: criteria provided, single submitter. Criteria: CeGaT Center For Human Genetics Tuebingen Variant Classification Criteria Version 2. Collection method: clinical testing. Allele origin: germline. Affected: yes. Observed: 1 variant allele.
Comment: RBBP8: PM2